The following is an entry in ClinVar:

ClinVar aggregate classification (germline): Uncertain significance (1 of 4 stars; one submission).

Allele frequency attached by ClinVar (database versions not stated): gnomAD exomes 0.00001.

Submission:

Ambry Genetics
Classification: Uncertain significance. Last evaluated: 2023-04-11. Review status: criteria provided, single submitter. Criteria: Ambry Variant Classification Scheme 2023. Collection method: clinical testing. Allele origin: germline.
Comment: The p.E429K variant (also known as c.1285G>A), located in coding exon 1 of the MLH3 gene, results from a G to A substitution at nucleotide position 1285. The glutamic acid at codon 429 is replaced by lysine, an amino acid with similar properties. This amino acid position is conserved. In addition, this alteration is predicted to be tolerated by in silico analysis. Since supporting evidence is limited at this time, the clinical significance of this alteration remains unclear.

NM_001040108.2(MLH3):c.1285G>A (p.Glu429Lys)

Gene: MLH3 (mutL homolog 3; minus strand). Cytogenetic location: 14q24.3.
Variant type: single nucleotide variant.
Coding change: c.1285G>A on transcript NM_001040108.2 (MANE Select); coding-DNA position 1285, G replaced by A.
Protein change: p.Glu429Lys; replaces glutamic acid 429 with lysine.
Molecular consequence: missense variant.
Genome position (GRCh38, 1-based): chr14:75,048,371, C>T on the plus strand (G>A on the coding strand, the complement: MLH3 is on the minus strand). VCF-style: chr14-75048371-C-T. GRCh37 (hg19) VCF-style: chr14-75515074-C-T.
Other names: c.1285G>A, p.Glu429Lys (NM_014381.3); short protein forms E429K.
Identifiers: ClinVar variation 2563534 (VCV002563534.2), dbSNP rs2503299429, ClinGen allele CA390446644.